The following is an entry in ClinVar:

NM_001105206.3(LAMA4):c.2959G>A (p.Val987Met)

Gene: LAMA4 (laminin subunit alpha 4; minus strand). Cytogenetic location: 6q21.
Variant type: single nucleotide variant.
Coding change: c.2959G>A on transcript NM_001105206.3 (MANE Select); coding-DNA position 2959, G replaced by A.
Protein change: p.Val987Met; replaces valine 987 with methionine.
Molecular consequence: missense variant.
Genome position (GRCh38, 1-based): chr6:112,140,777, C>T on the plus strand (G>A on the coding strand, the complement: LAMA4 is on the minus strand). VCF-style: chr6-112140777-C-T. GRCh37 (hg19) VCF-style: chr6-112461979-C-T.
Other names: c.2938G>A, p.Val980Met (NM_001105207.3, NM_002290.5); short protein forms V980M, V987M.
Identifiers: ClinVar variation 4859085 (VCV004859085.1).

ClinVar aggregate classification (germline): Uncertain significance (1 of 4 stars; one submission).

Conditions:
Cardiovascular phenotype. Identifiers: MedGen CN230736.

Submission:

Ambry Genetics
Classification: Uncertain significance for Cardiovascular phenotype. Last evaluated: 2026-03-23. Review status: criteria provided, single submitter. Criteria: Ambry Variant Classification Scheme 2023. Collection method: clinical testing. Allele origin: germline.
Comment: The p.V980M variant (also known as c.2938G>A), located in coding exon 21 of the LAMA4 gene, results from a G to A substitution at nucleotide position 2938. The valine at codon 980 is replaced by methionine, an amino acid with highly similar properties. This amino acid position is conserved. In addition, the in silico prediction for this alteration is inconclusive. Based on the available evidence, the clinical significance of this variant remains unclear.